The following is an entry in ClinVar:

NM_000782.5(CYP24A1):c.287T>A (p.Ile96Asn)

Gene: CYP24A1 (cytochrome P450 family 24 subfamily A member 1; minus strand). Cytogenetic location: 20q13.2.
Variant type: single nucleotide variant.
Coding change: c.287T>A on transcript NM_000782.5 (MANE Select); coding-DNA position 287, T replaced by A.
Protein change: p.Ile96Asn; replaces isoleucine 96 with asparagine.
Molecular consequence: missense variant.
Genome position (GRCh38, 1-based): chr20:54,173,071, A>T on the plus strand (T>A on the coding strand, the complement: CYP24A1 is on the minus strand). VCF-style: chr20-54173071-A-T. GRCh37 (hg19) VCF-style: chr20-52789610-A-T.
Other names: c.287T>A, p.Ile96Asn (NM_001128915.2, NM_001424340.1, NM_001424341.1 and 2 more transcripts); short protein forms I96N.
Identifiers: ClinVar variation 4855905 (VCV004855905.1).
Genomic context (GRCh38, chr20:54,173,071, plus strand): 5'-TCCAGCAGGCATGGCGAGCCCAGGTGCACCGACTCAAAGGAACCCAACTTCATGCGGAAA[A>T]TCTTGCCATACTTCTTGTGGTACTCCACCTGCAGCCGGCCGGGCACAGCGCGGTGTCAGC-3'
Protein context (NP_000773.2, residues 86-106): LVEYHKKYGK[Ile96Asn]FRMKLGSFES

ClinVar aggregate classification (germline): Uncertain significance (1 of 4 stars; one submission).

Conditions:
Hypercalcemia, infantile, 1 (HCINF1). Identifiers: Orphanet 300547, MedGen CN031131, MONDO:0020739, OMIM 143880.

Submission:

3billion
Classification: Uncertain significance for Hypercalcemia, infantile, 1. Last evaluated: 2025-10-29. Review status: criteria provided, single submitter. Criteria: ACMG Guidelines, 2015. Collection method: clinical testing. Allele origin: germline. Affected: yes.
Comment: The variant is observed at an extremely low frequency in the gnomAD v4.1.0 dataset (total allele frequency: 0.004%). Predicted Consequence/Location: Missense variant In silico tool prediction suggests damaging effect of the variant on gene or gene product [REVEL: 0.89 (>=0.6, sensitivity 0.68 and specificity 0.92)]. The same nucleotide change resulting in the same amino acid change has been previously reported to be associated with CYP24A1-related disorder (PMID: 38504242). Therefore, this variant is classified as VUS according to the recommendation of ACMG/AMP guideline.

Literature cited by the submitters: PubMed 38504242.